The following is an entry in ClinVar:

ClinVar aggregate classification (germline): Conflicting classifications of pathogenicity. Review status: criteria provided, conflicting classifications (1 of 4 stars). 3 submissions from 3 submitters: Uncertain significance (2); Likely benign (1). Last evaluated 2025-06-15.

Conditions:
Hypertrophic cardiomyopathy 26. Also called: Cardiomyopathy, familial hypertrophic, 26. Identifiers: Orphanet 75249, MedGen C4310749, MONDO:0014883, OMIM 617047.
Myofibrillar myopathy 5. Also called: Filaminopathy (type); FILAMINOPATHY, AUTOSOMAL DOMINANT. Identifiers: Orphanet 171445, MedGen C1836050, MONDO:0012289, OMIM 609524.
Distal myopathy with posterior leg and anterior hand involvement. Also called: WILLIAMS DISTAL MYOPATHY. Identifiers: Orphanet 63273, MedGen C3279722, MONDO:0013550, OMIM 614065.
Cardiovascular phenotype. Identifiers: MedGen CN230736.

Allele frequency attached by ClinVar (database versions not stated): gnomAD exomes below 0.00001.

Submissions (3):

Ambry Genetics
Classification: Uncertain significance for Cardiovascular phenotype. Last evaluated: 2025-06-15. Review status: criteria provided, single submitter. Criteria: Ambry Variant Classification Scheme 2023. Collection method: clinical testing. Allele origin: germline.
Comment: The p.N393H variant (also known as c.1177A>C), located in coding exon 7 of the FLNC gene, results from an A to C substitution at nucleotide position 1177. The asparagine at codon 393 is replaced by histidine, an amino acid with similar properties. This amino acid position is conserved. In addition, this alteration is predicted to be tolerated by in silico analysis. Based on the available evidence, the clinical significance of this variant remains unclear.

Labcorp Genetics (formerly Invitae), Labcorp
Classification: Likely benign for Distal myopathy with posterior leg and anterior hand involvement; Myofibrillar myopathy 5; Hypertrophic cardiomyopathy 26. Last evaluated: 2025-03-30. Review status: criteria provided, single submitter. Criteria: Invitae Variant Classification Sherloc (09022015). Collection method: clinical testing. Allele origin: germline.

GeneDx
Classification: Uncertain significance. Last evaluated: 2024-05-13. Review status: criteria provided, single submitter. Criteria: GeneDx Variant Classification Process June 2021. Collection method: clinical testing. Allele origin: germline. Affected: yes.
Comment: Not observed at significant frequency in large population cohorts (gnomAD); In silico analysis supports that this missense variant has a deleterious effect on protein structure/function; Has not been previously published as pathogenic or benign to our knowledge

NM_001458.5(FLNC):c.1177A>C (p.Asn393His)

Gene: FLNC (filamin C; plus strand). Cytogenetic location: 7q32.1.
Variant type: single nucleotide variant.
Coding change: c.1177A>C on transcript NM_001458.5 (MANE Select); coding-DNA position 1177, A replaced by C.
Protein change: p.Asn393His; replaces asparagine 393 with histidine.
Molecular consequence: missense variant.
Genome position (GRCh38, 1-based): chr7:128,838,396, A>C. VCF-style: chr7-128838396-A-C. GRCh37 (hg19) VCF-style: chr7-128478450-A-C.
Other names: c.1177A>C, p.Asn393His (NM_001127487.2); short protein forms N393H.
Identifiers: ClinVar variation 2938037 (VCV002938037.5), dbSNP rs986826850, ClinGen allele CA166214949.